The following is an entry in ClinVar:

ClinVar aggregate classification (germline): Uncertain significance. Review status: criteria provided, multiple submitters, no conflicts (2 of 4 stars). 2 submissions from 2 submitters: Uncertain significance (2). Last evaluated 2025-10-24.

Conditions:
Inborn genetic diseases. Identifiers: MedGen C0950123, MeSH D030342.

Allele frequency attached by ClinVar (database versions not stated): gnomAD exomes below 0.00001.
gnomAD v4.1: 1 of 1,614,176 alleles (0.000062%); highest among the groups gnomAD compares: Non-Finnish European, 0.000085%; no homozygotes.

Submissions (2):

Women's Health and Genetics/Laboratory Corporation of America, LabCorp
Classification: Uncertain significance. Last evaluated: 2025-10-24. Review status: criteria provided, single submitter. Criteria: LabCorp Variant Classification Summary - May 2015. Collection method: clinical testing. Allele origin: germline.
Comment: Variant summary: MED13L c.4867G>T (p.Ala1623Ser) results in a conservative amino acid change in the encoded protein sequence. Algorithms developed to predict the effect of missense changes on protein structure and function all suggest that this variant is likely to be tolerated. The variant was absent in 250902 control chromosomes. The available data on variant occurrences in the general population are insufficient to allow any conclusion about variant significance. To our knowledge, no occurrence of c.4867G>T in individuals affected with MED13L-related conditions and no experimental evidence demonstrating its impact on protein function have been reported. ClinVar contains an entry for this variant (Variation ID: 2313994). Based on the evidence outlined above, the variant was classified as uncertain significance.

Ambry Genetics
Classification: Uncertain significance for Inborn genetic diseases. Last evaluated: 2022-09-27. Review status: criteria provided, single submitter. Criteria: Ambry Variant Classification Scheme 2023. Collection method: clinical testing. Allele origin: germline.

NM_015335.5(MED13L):c.4867G>T (p.Ala1623Ser)

Gene: MED13L (mediator complex subunit 13L; minus strand). Cytogenetic location: 12q24.21.
Variant type: single nucleotide variant.
Coding change: c.4867G>T on transcript NM_015335.5 (MANE Select); coding-DNA position 4867, G replaced by T.
Protein change: p.Ala1623Ser; replaces alanine 1623 with serine.
Molecular consequence: missense variant.
Genome position (GRCh38, 1-based): chr12:115,983,205, C>A on the plus strand (G>T on the coding strand, the complement: MED13L is on the minus strand). VCF-style: chr12-115983205-C-A. GRCh37 (hg19) VCF-style: chr12-116421010-C-A.
Other names: short protein forms A1623S.
Identifiers: ClinVar variation 2313994 (VCV002313994.3), dbSNP rs1877454199, ClinGen allele CA386882602.
Genomic context (GRCh38, chr12:115,983,205, plus strand): 5'-AAGAGCTCTGCCCAGGGTCAGTGTCTCCACCACAGCCTATGTTCCCTTGCGTTCTATCCG[C>A]AGAAATGCCCCCAGTGCTGGGGTTCTGCCCTCCAACACTACCACTGAATCCTGAAGAAGA-3'
Protein context (NP_056150.1, residues 1613-1633): GQNPSTGGIS[Ala1623Ser]DRTQGNIGCG